The following is an entry in ClinVar:

NM_000360.4(TH):c.656T>C (p.Ile219Thr)

Gene: TH (tyrosine hydroxylase; minus strand). Cytogenetic location: 11p15.5.
Variant type: single nucleotide variant.
Coding change: c.656T>C on transcript NM_000360.4 (MANE Select); coding-DNA position 656, T replaced by C.
Protein change: p.Ile219Thr; replaces isoleucine 219 with threonine.
Molecular consequence: missense variant.
Genome position (GRCh38, 1-based): chr11:2,167,474, A>G on the plus strand (T>C on the coding strand, the complement: TH is on the minus strand). VCF-style: chr11-2167474-A-G. GRCh37 (hg19) VCF-style: chr11-2188704-A-G.
Other names: c.749T>C, p.Ile250Thr (NM_199292.3); c.737T>C, p.Ile246Thr (NM_199293.3); short protein forms I250T, I246T, I219T.
Identifiers: ClinVar variation 422210 (VCV000422210.2), dbSNP rs1064795631, ClinGen allele CA16619300.

ClinVar aggregate classification (germline): Likely pathogenic (1 of 4 stars; one submission).

Submission:

GeneDx
Classification: Likely pathogenic. Last evaluated: 2016-09-16. Review status: criteria provided, single submitter. Criteria: GeneDx Variant Classification (06012015). Collection method: clinical testing. Allele origin: germline. Affected: yes.
Comment: The I250T variant in the TH gene has not been reported previously as a pathogenic variant, nor as a benign variant, to our knowledge. The I250T variant was not observed in approximately 6400 individuals of European and African American ancestry in the NHLBI Exome Sequencing Project, indicating it is not a common benign variant in these populations. The I250T variant is a non-conservative amino acid substitution, which is likely to impact secondary protein structure as these residues differ in polarity, charge, size and/or other properties. This substitution also occurs at a position that is conserved across species, and in silico analysis predicts this variant is probably damaging to the protein structure/function. Therefore, the I250T variant is a strong candidate for a pathogenic variant, however the possibility it may be a rare benign variant cannot be excluded.